The following is an entry in ClinVar:

NM_181426.2(CCDC39):c.1168-14A>G

Gene: CCDC39 (coiled-coil domain 39 molecular ruler complex subunit; minus strand). Cytogenetic location: 3q26.33.
Variant type: single nucleotide variant.
Coding change: c.1168-14A>G on transcript NM_181426.2 (MANE Select); 14 bases into the intron before coding-DNA position 1168, A replaced by G.
Molecular consequence: intron variant.
Genome position (GRCh38, 1-based): chr3:180,648,373, T>C on the plus strand (A>G on the coding strand, the complement: CCDC39 is on the minus strand). VCF-style: chr3-180648373-T-C. GRCh37 (hg19) VCF-style: chr3-180366161-T-C.
Identifiers: ClinVar variation 2006988 (VCV002006988.4), dbSNP rs2473810151, ClinGen allele CA2577967011.
Genomic context (GRCh38, chr3:180,648,373, plus strand): 5'-TTCTTAAACAGCACACCTTTTATGAGGTTCAGTTGAACATCTACTTCCTGATAATGAGAA[T>C]TATAGTGATTAATGGAATTAAATATATTGAAATGTTGTATTTATATGAACATAATAATTT-3'

ClinVar aggregate classification (germline): Uncertain significance (1 of 4 stars; one submission).

Conditions:
Primary ciliary dyskinesia. Also called: Ciliary dyskinesia. Identifiers: Orphanet 244, MedGen C0008780, MONDO:0016575, HP:0012265.

Submission:

Labcorp Genetics (formerly Invitae), Labcorp
Classification: Uncertain significance for Primary ciliary dyskinesia. Last evaluated: 2022-06-15. Review status: criteria provided, single submitter. Criteria: Invitae Variant Classification Sherloc (09022015). Collection method: clinical testing. Allele origin: germline.
Comment: This sequence change falls in intron 9 of the CCDC39 gene. It does not directly change the encoded amino acid sequence of the CCDC39 protein. This variant is not present in population databases (gnomAD no frequency). This variant has not been reported in the literature in individuals affected with CCDC39-related conditions. Algorithms developed to predict the effect of sequence changes on RNA splicing suggest that this variant may create or strengthen a splice site. In summary, the available evidence is currently insufficient to determine the role of this variant in disease. Therefore, it has been classified as a Variant of Uncertain Significance.